The following is an entry in ClinVar:

NM_004100.5(EYA4):c.710C>A (p.Ser237Tyr)

Gene: EYA4 (EYA transcriptional coactivator and phosphatase 4; plus strand). Cytogenetic location: 6q23.2.
Variant type: single nucleotide variant.
Coding change: c.710C>A on transcript NM_004100.5 (MANE Select); coding-DNA position 710, C replaced by A.
Protein change: p.Ser237Tyr; replaces serine 237 with tyrosine.
Molecular consequence: missense variant.
Genome position (GRCh38, 1-based): chr6:133,462,750, C>A. VCF-style: chr6-133462750-C-A. GRCh37 (hg19) VCF-style: chr6-133783888-C-A.
Other names: c.548C>A, p.Ser183Tyr (NM_001301012.2, NM_001370459.1); c.710C>A, p.Ser237Tyr (NM_001301013.2, NM_172105.4); c.641C>A, p.Ser214Tyr (NM_001370458.1, NM_172103.4); short protein forms S237Y, S183Y, S214Y.
Identifiers: ClinVar variation 4020615 (VCV004020615.1).
Genomic context (GRCh38, chr6:133,462,750, plus strand): 5'-GTGGCTGCCTCAGTTACAGCCCAGGGTTCTCTACCCCACAGCCAGGCCAGACACCTTATT[C>A]TTACCAAATGCCAGGTAAGTAGCTACACATGAAACATGTTTTGGGAGAACTAATTCTTTG-3'
Protein context (NP_004091.3, residues 227-247): STPQPGQTPY[Ser237Tyr]YQMPGSSFAP

ClinVar aggregate classification (germline): Uncertain significance (1 of 4 stars; one submission).

Conditions:
Cardiovascular phenotype. Identifiers: MedGen CN230736.

Submission:

Ambry Genetics
Classification: Uncertain significance for Cardiovascular phenotype. Last evaluated: 2025-04-30. Review status: criteria provided, single submitter. Criteria: Ambry Variant Classification Scheme 2023. Collection method: clinical testing. Allele origin: germline.
Comment: The p.S237Y variant (also known as c.710C>A), located in coding exon 8 of the EYA4 gene, results from a C to A substitution at nucleotide position 710. The serine at codon 237 is replaced by tyrosine, an amino acid with dissimilar properties. This amino acid position is conserved. In addition, this alteration is predicted to be deleterious by in silico analysis. Based on the available evidence, the clinical significance of this variant remains unclear.